The following is an entry in ClinVar:

NM_004260.4(RECQL4):c.904C>G (p.Pro302Ala)

Gene: RECQL4 (RecQ like helicase 4; minus strand). Cytogenetic location: 8q24.3.
Variant type: single nucleotide variant.
Coding change: c.904C>G on transcript NM_004260.4 (MANE Select); coding-DNA position 904, C replaced by G.
Protein change: p.Pro302Ala; replaces proline 302 with alanine.
Molecular consequence: missense variant.
Genome position (GRCh38, 1-based): chr8:144,516,215, G>C on the plus strand (C>G on the coding strand, the complement: RECQL4 is on the minus strand). VCF-style: chr8-144516215-G-C. GRCh37 (hg19) VCF-style: chr8-145741599-G-C.
Other names: short protein forms P302A.
Identifiers: ClinVar variation 1023580 (VCV001023580.3), dbSNP rs771135444, ClinGen allele CA4949147.
Genomic context (GRCh38, chr8:144,516,215, plus strand): 5'-GTCCGTGGTACCTGGGGTTCGATGGGCTGCTGCAGGGCTGAGGTGGCTGTGCCTGTACAG[G>C]TTCCCCTGGAGGGTCTTCCTCAACTGCTACAGCCCCAGCCCCCTCCGATGGGGGTCCAGC-3'
Protein context (NP_004251.4, residues 292-312): VAVEEDPPGE[Pro302Ala]VQAQPPQPCS

ClinVar aggregate classification (germline): Uncertain significance (1 of 4 stars; one submission).

Conditions:
Baller-Gerold syndrome (BGS). Also called: CRANIOSYNOSTOSIS WITH RADIAL DEFECTS. Identifiers: Orphanet 1225, MedGen C0265308, MONDO:0009039, OMIM 218600.

Submission:

Labcorp Genetics (formerly Invitae), Labcorp
Classification: Uncertain significance for Baller-Gerold syndrome. Last evaluated: 2020-10-01. Review status: criteria provided, single submitter. Criteria: Invitae Variant Classification Sherloc (09022015). Collection method: clinical testing. Allele origin: germline.
Comment: This sequence change replaces proline with alanine at codon 302 of the RECQL4 protein (p.Pro302Ala). The proline residue is moderately conserved and there is a small physicochemical difference between proline and alanine. This variant is present in population databases (rs771135444, ExAC 0.002%). This variant has not been reported in the literature in individuals with RECQL4-related conditions. Experimental studies and prediction algorithms are not available or were not evaluated, and the functional significance of this variant is currently unknown. In summary, the available evidence is currently insufficient to determine the role of this variant in disease. Therefore, it has been classified as a Variant of Uncertain Significance.